The following is an entry in ClinVar:

ClinVar aggregate classification (germline): Pathogenic. Review status: reviewed by expert panel (3 of 4 stars). 2 submissions from 2 submitters: Pathogenic (1). 1 of the submissions does not count toward it. Last evaluated 2016-10-18.

Conditions:
Breast-ovarian cancer, familial, susceptibility to, 2 (BROVCA2). Also called: BRCA2 Hereditary Breast and Ovarian Cancer. Identifiers: Orphanet 145, MedGen C2675520, MONDO:0012933, OMIM 612555. Disease mechanism: loss of function.

Submissions (2):

Evidence-based Network for the Interpretation of Germline Mutant Alleles (ENIGMA)
Classification: Pathogenic for Breast-ovarian cancer, familial, susceptibility to, 2. Last evaluated: 2016-10-18. Review status: reviewed by expert panel. Criteria: ENIGMA BRCA1/2 Classification Criteria (2015). Collection method: curation. Allele origin: germline.
Comment: Variant allele predicted to encode a truncated non-functional protein.

Consortium of Investigators of Modifiers of BRCA1/2 (CIMBA), c/o University of Cambridge
Classification: Pathogenic for Breast-ovarian cancer, familial, susceptibility to, 2. Last evaluated: 2015-10-02. Review status: criteria provided, single submitter. Criteria: CIMBA Mutation Classification guidelines May 2016. Collection method: clinical testing. Allele origin: germline. Not counted in ClinVar's aggregate classification.

NM_000059.4(BRCA2):c.6137_6138del (p.Ser2046fs)

Gene: BRCA2 (BRCA2 DNA repair associated; plus strand). Cytogenetic location: 13q13.1.
Variant type: Deletion.
Coding change: c.6137_6138del on transcript NM_000059.4 (MANE Select); coding-DNA positions 6137 to 6138, 2 bases deleted (CA; older notation c.6137_6138delCA).
Protein change: p.Ser2046fs; shifts the reading frame from serine 2046.
Molecular consequence: frameshift variant.
Genome position (GRCh38, 1-based): chr13:32,340,492-32,340,493, CA deleted. VCF-style (leftmost placement, unchanged base first): chr13-32340491-TCA-T. GRCh37 (hg19) VCF-style: chr13-32914628-TCA-T.
Other names: 6365_6366delCA; short protein forms S2046fs.
Identifiers: ClinVar variation 266926 (VCV000266926.5), dbSNP rs886040638, ClinGen allele CA10589356.